The following is an entry in ClinVar:

NM_080680.3(COL11A2):c.82+4A>G

Gene: COL11A2 (collagen type XI alpha 2 chain; minus strand). Cytogenetic location: 6p21.32.
Variant type: single nucleotide variant.
Coding change: c.82+4A>G on transcript NM_080680.3 (MANE Select); 4 bases into the intron after coding-DNA position 82, A replaced by G.
Molecular consequence: intron variant.
Genome position (GRCh38, 1-based): chr6:33,192,155, T>C on the plus strand (A>G on the coding strand, the complement: COL11A2 is on the minus strand). VCF-style: chr6-33192155-T-C. GRCh37 (hg19) VCF-style: chr6-33159932-T-C.
Other names: c.82+4A>G (NM_080679.3, NM_080681.3, NM_001163771.2).
Identifiers: ClinVar variation 2132260 (VCV002132260.4), dbSNP rs2535611958, ClinGen allele CA2580074638.

ClinVar aggregate classification (germline): Uncertain significance (1 of 4 stars; one submission).

Submission:

Labcorp Genetics (formerly Invitae), Labcorp
Classification: Uncertain significance. Last evaluated: 2025-03-31. Review status: criteria provided, single submitter. Criteria: Invitae Variant Classification Sherloc (09022015). Collection method: clinical testing. Allele origin: germline.
Comment: This sequence change falls in intron 1 of the COL11A2 gene. It does not directly change the encoded amino acid sequence of the COL11A2 protein. It affects a nucleotide within the consensus splice site. This variant is not present in population databases (gnomAD no frequency). This variant has not been reported in the literature in individuals affected with COL11A2-related conditions. ClinVar contains an entry for this variant (Variation ID: 2132260). Variants that disrupt the consensus splice site are a relatively common cause of aberrant splicing (PMID: 17576681, 9536098). Algorithms developed to predict the effect of sequence changes on RNA splicing suggest that this variant is not likely to affect RNA splicing. In summary, the available evidence is currently insufficient to determine the role of this variant in disease. Therefore, it has been classified as a Variant of Uncertain Significance.

Literature cited by the submitters: PubMed 17576681; PubMed 9536098.